The following is an entry in ClinVar:

ClinVar aggregate classification (germline): Uncertain significance (1 of 4 stars; one submission).

Conditions:
Anauxetic dysplasia. Identifiers: Orphanet 93347, MedGen C1846796, MONDO:0011773.

Allele frequency attached by ClinVar (database versions not stated): gnomAD 0.00001.
gnomAD v4.1: 9 of 687,310 alleles (0.0013%); highest among the groups gnomAD compares: African/African-American, 0.0053%; no homozygotes.

Submission:

Labcorp Genetics (formerly Invitae), Labcorp
Classification: Uncertain significance for Anauxetic dysplasia. Last evaluated: 2023-12-02. Review status: criteria provided, single submitter. Criteria: Invitae Variant Classification Sherloc (09022015). Collection method: clinical testing. Allele origin: germline.
Comment: This variant occurs in the RMRP gene, which encodes an RNA molecule that does not result in a protein product. This variant is present in population databases (no rsID available, gnomAD 0.01%). This variant has not been reported in the literature in individuals affected with RMRP-related conditions. ClinVar contains an entry for this variant (Variation ID: 2043612). Experimental studies and prediction algorithms are not available or were not evaluated, and the functional significance of this variant is currently unknown. In summary, the available evidence is currently insufficient to determine the role of this variant in disease. Therefore, it has been classified as a Variant of Uncertain Significance.

NC_000009.12:g.35657759G>C

Gene: RMRP (RNA component of mitochondrial RNA processing endoribonuclease; minus strand). Cytogenetic location: 9p13.3.
Variant type: single nucleotide variant.
Genome position: GRCh38 VCF-style: chr9-35657759-G-C. GRCh37 (hg19) VCF-style: chr9-35657756-G-C.
Identifiers: ClinVar variation 2043612 (VCV002043612.2), dbSNP rs1435244601, ClinGen allele CA464450154.
Genomic context (GRCh38, chr9:35,657,759, plus strand): 5'-GTGAGCCCGGGGAGGTCGAGGCTGCAGTGAGCCGTGGTCTCGGGAACAAAAAACAGCCGC[G>C]CTGAGAATGAGCCCCGTGTGGTTGGTGCGCGGACACGCACTGCCTGCGTAACTAGAGGGA-3'